The following is an entry in ClinVar:

ClinVar aggregate classification (germline): Uncertain significance (1 of 4 stars; one submission).

Conditions:
RASopathy. Also called: Noonan spectrum disorder; rasopathies. Identifiers: Orphanet 536391, MedGen C5555857, MONDO:0021060.

Submission:

Labcorp Genetics (formerly Invitae), Labcorp
Classification: Uncertain significance for RASopathy. Last evaluated: 2025-03-04. Review status: criteria provided, single submitter. Criteria: Invitae Variant Classification Sherloc (09022015). Collection method: clinical testing. Allele origin: germline.
Comment: This sequence change replaces alanine, which is neutral and non-polar, with threonine, which is neutral and polar, at codon 308 of the SHOC2 protein (p.Ala308Thr). This variant is not present in population databases (gnomAD no frequency). This variant has not been reported in the literature in individuals affected with SHOC2-related conditions. Invitae Evidence Modeling of protein sequence and biophysical properties (such as structural, functional, and spatial information, amino acid conservation, physicochemical variation, residue mobility, and thermodynamic stability) indicates that this missense variant is not expected to disrupt SHOC2 protein function with a negative predictive value of 80%. In summary, the available evidence is currently insufficient to determine the role of this variant in disease. Therefore, it has been classified as a Variant of Uncertain Significance.

NM_007373.4(SHOC2):c.922G>A (p.Ala308Thr)

Gene: SHOC2 (SHOC2 leucine rich repeat scaffold protein; plus strand). Cytogenetic location: 10q25.2.
Variant type: single nucleotide variant.
Coding change: c.922G>A on transcript NM_007373.4 (MANE Select); coding-DNA position 922, G replaced by A.
Protein change: p.Ala308Thr; replaces alanine 308 with threonine.
Molecular consequence: missense variant. On other transcripts: 5 prime UTR variant (2), intron variant (1).
Genome position (GRCh38, 1-based): chr10:111,000,495, G>A. VCF-style: chr10-111000495-G-A. GRCh37 (hg19) VCF-style: chr10-112760253-G-A.
Other names: c.784G>A, p.Ala262Thr (NM_001269039.3, NM_001441186.1); c.922G>A, p.Ala308Thr (NM_001324336.2, NM_001324337.2, NM_001441184.1 and 2 more transcripts); c.253G>A, p.Ala85Thr (NM_001441188.1); c.-162G>A (NM_001441189.1, NM_001441190.1); c.-111-4111G>A (NM_001441191.1); short protein forms A308T, A85T, A262T.
Identifiers: ClinVar variation 4741841 (VCV004741841.1).